The following is an entry in ClinVar:

ClinVar aggregate classification (germline): Uncertain significance (1 of 4 stars; one submission).

Submission:

Labcorp Genetics (formerly Invitae), Labcorp
Classification: Uncertain significance. Last evaluated: 2025-12-22. Review status: criteria provided, single submitter. Criteria: Invitae Variant Classification Sherloc (09022015). Collection method: clinical testing. Allele origin: germline.
Comment: This sequence change replaces glutamine, which is neutral and polar, with glutamic acid, which is acidic and polar, at codon 587 of the IL23R protein (p.Gln587Glu). This variant is not present in population databases (gnomAD no frequency). This variant has not been reported in the literature in individuals affected with IL23R-related conditions. An algorithm developed to predict the effect of missense changes on protein structure and function (PolyPhen-2) suggests that this variant is likely to be tolerated. In summary, the available evidence is currently insufficient to determine the role of this variant in disease. Therefore, it has been classified as a Variant of Uncertain Significance.

NM_144701.3(IL23R):c.1759C>G (p.Gln587Glu)

Gene: IL23R (interleukin 23 receptor; plus strand). Cytogenetic location: 1p31.3.
Variant type: single nucleotide variant.
Coding change: c.1759C>G on transcript NM_144701.3 (MANE Select); coding-DNA position 1759, C replaced by G.
Protein change: p.Gln587Glu; replaces glutamine 587 with glutamic acid.
Molecular consequence: missense variant.
Genome position (GRCh38, 1-based): chr1:67,258,997, C>G. VCF-style: chr1-67258997-C-G. GRCh37 (hg19) VCF-style: chr1-67724680-C-G.
Other names: short protein forms Q587E.
Identifiers: ClinVar variation 4733825 (VCV004733825.1).